The following is an entry in ClinVar:

NM_022166.4(XYLT1):c.1111G>A (p.Val371Met)

Gene: XYLT1 (xylosyltransferase 1; minus strand). Cytogenetic location: 16p12.3.
Variant type: single nucleotide variant.
Coding change: c.1111G>A on transcript NM_022166.4 (MANE Select); coding-DNA position 1111, G replaced by A.
Protein change: p.Val371Met; replaces valine 371 with methionine.
Molecular consequence: missense variant.
Genome position (GRCh38, 1-based): chr16:17,198,390, C>T on the plus strand (G>A on the coding strand, the complement: XYLT1 is on the minus strand). VCF-style: chr16-17198390-C-T. GRCh37 (hg19) VCF-style: chr16-17292247-C-T.
Other names: short protein forms V371M.
Identifiers: ClinVar variation 4772848 (VCV004772848.1).

ClinVar aggregate classification (germline): Uncertain significance (1 of 4 stars; one submission).

Conditions:
Desbuquois dysplasia 1 (DBQD1). Also called: DESBUQUOIS DYSPLASIA 1, KIM VARIANT; MICROMELIC DWARFISM WITH VERTEBRAL AND METAPHYSEAL ABNORMALITIES AND ADVANCED CARPOTARSAL OSSIFICATION. Identifiers: Orphanet 1425, MedGen C4012146, MONDO:0009629, OMIM 251450.

gnomAD v4.1: 2 of 1,614,168 alleles (0.00012%); highest among the groups gnomAD compares: South Asian, 0.0011%; no homozygotes.

Submission:

Labcorp Genetics (formerly Invitae), Labcorp
Classification: Uncertain significance for Desbuquois dysplasia 1. Last evaluated: 2025-05-12. Review status: criteria provided, single submitter. Criteria: Invitae Variant Classification Sherloc (09022015). Collection method: clinical testing. Allele origin: germline.
Comment: This sequence change replaces valine, which is neutral and non-polar, with methionine, which is neutral and non-polar, at codon 371 of the XYLT1 protein (p.Val371Met). This variant is not present in population databases (gnomAD no frequency). This variant has not been reported in the literature in individuals affected with XYLT1-related conditions. Invitae Evidence Modeling of protein sequence and biophysical properties (such as structural, functional, and spatial information, amino acid conservation, physicochemical variation, residue mobility, and thermodynamic stability) indicates that this missense variant is not expected to disrupt XYLT1 protein function with a negative predictive value of 80%. Algorithms developed to predict the effect of sequence changes on RNA splicing suggest that this variant may create or strengthen a splice site. In summary, the available evidence is currently insufficient to determine the role of this variant in disease. Therefore, it has been classified as a Variant of Uncertain Significance.